The following is an entry in ClinVar:

ClinVar aggregate classification (germline): Uncertain significance. Review status: criteria provided, multiple submitters, no conflicts (2 of 4 stars). 4 submissions from 4 submitters: Uncertain significance (4). Last evaluated 2026-01-09.

Conditions:
Cardiovascular phenotype. Identifiers: MedGen CN230736.
Cardiomyopathy (CMYO). Also called: Cardiomyopathies. Identifiers: Orphanet 167848, MedGen C0878544, MONDO:0004994, HP:0001638. Inheritance: Various modes of inheritance.
Hypertrophic cardiomyopathy. Also called: HYPERTROPHIC MYOCARDIOPATHY. Identifiers: Orphanet 217569, MedGen C0007194, MeSH D002312, MONDO:0005045, HP:0001639.

Allele frequency attached by ClinVar (database versions not stated): gnomAD exomes 0.00001 and below 0.00001; gnomAD 0.00001; TOPMed 0.00002.

Submissions (4):

Labcorp Genetics (formerly Invitae), Labcorp
Classification: Uncertain significance for Hypertrophic cardiomyopathy. Last evaluated: 2026-01-09. Review status: criteria provided, single submitter. Criteria: Invitae Variant Classification Sherloc (09022015). Collection method: clinical testing. Allele origin: germline.
Comment: This sequence change replaces glycine, which is neutral and non-polar, with alanine, which is neutral and non-polar, at codon 136 of the MYBPC3 protein (p.Gly136Ala). This variant is present in population databases (no rsID available, gnomAD 0.003%). This variant has not been reported in the literature in individuals affected with MYBPC3-related conditions. ClinVar contains an entry for this variant (Variation ID: 849956). An algorithm developed to predict the effect of missense changes on protein structure and function (PolyPhen-2) suggests that this variant is likely to be tolerated. Algorithms developed to predict the effect of sequence changes on RNA splicing suggest that this variant may disrupt the consensus splice site. In summary, the available evidence is currently insufficient to determine the role of this variant in disease. Therefore, it has been classified as a Variant of Uncertain Significance.

Mayo Clinic Laboratories, Mayo Clinic
Classification: Uncertain significance. Last evaluated: 2025-02-17. Review status: criteria provided, single submitter. Criteria: ACMG Guidelines, 2015. Collection method: clinical testing. Allele origin: germline. Observed: 1 variant allele.
Comment: BP4, PM2_supporting

Color Diagnostics, LLC DBA Color Health
Classification: Uncertain significance for Cardiomyopathy. Last evaluated: 2024-01-29. Review status: criteria provided, single submitter. Criteria: ACMG Guidelines, 2015. Collection method: clinical testing. Allele origin: germline.
Comment: This missense variant replaces glycine with alanine at codon 136 of the MYBPC3 protein. Computational prediction suggests that this variant may not impact protein structure and function. To our knowledge, functional studies have not been reported for this variant. This variant has not been reported in individuals affected with MYBPC3-related disorders in the literature. This variant has been identified in 2/158442 chromosomes in the general population by the Genome Aggregation Database (gnomAD). The available evidence is insufficient to determine the role of this variant in disease conclusively. Therefore, this variant is classified as a Variant of Uncertain Significance.

Ambry Genetics
Classification: Uncertain significance for Cardiovascular phenotype. Last evaluated: 2023-05-01. Review status: criteria provided, single submitter. Criteria: Ambry Variant Classification Scheme 2023. Collection method: clinical testing. Allele origin: germline.
Comment: The p.G136A variant (also known as c.407G>C) is located in coding exon 4 of the MYBPC3 gene. The glycine at codon 136 is replaced by alanine, an amino acid with similar properties. This change occurs in the first base pair of coding exon 4. This amino acid position is conserved. In addition, this alteration is predicted to be tolerated by in silico analysis. Since supporting evidence is limited at this time, the clinical significance of this alteration remains unclear.

NM_000256.3(MYBPC3):c.407G>C (p.Gly136Ala)

Gene: MYBPC3 (myosin binding protein C3; minus strand). Cytogenetic location: 11p11.2.
Variant type: single nucleotide variant.
Coding change: c.407G>C on transcript NM_000256.3 (MANE Select); coding-DNA position 407, G replaced by C.
Protein change: p.Gly136Ala; replaces glycine 136 with alanine.
Molecular consequence: missense variant.
Genome position (GRCh38, 1-based): chr11:47,350,112, C>G on the plus strand (G>C on the coding strand, the complement: MYBPC3 is on the minus strand). VCF-style: chr11-47350112-C-G. GRCh37 (hg19) VCF-style: chr11-47371663-C-G.
Other names: p.Gly136Ala; short protein forms G136A.
Identifiers: ClinVar variation 849956 (VCV000849956.11), dbSNP rs1337388106, ClinGen allele CA380339139.